The following is an entry in ClinVar:

NM_006715.4(MAN2C1):c.2384A>G (p.Tyr795Cys)

Gene: MAN2C1 (mannosidase alpha class 2C member 1; minus strand). Cytogenetic location: 15q24.2.
Variant type: single nucleotide variant.
Coding change: c.2384A>G on transcript NM_006715.4 (MANE Select); coding-DNA position 2384, A replaced by G.
Protein change: p.Tyr795Cys; replaces tyrosine 795 with cysteine.
Molecular consequence: missense variant.
Genome position (GRCh38, 1-based): chr15:75,358,481, T>C on the plus strand (A>G on the coding strand, the complement: MAN2C1 is on the minus strand). VCF-style: chr15-75358481-T-C. GRCh37 (hg19) VCF-style: chr15-75650822-T-C.
Other names: c.2435A>G, p.Tyr812Cys (NM_001256494.2); c.2384A>G, p.Tyr795Cys (NM_001256495.2); c.2087A>G, p.Tyr696Cys (NM_001256496.2); short protein forms Y696C, Y795C, Y812C.
Identifiers: ClinVar variation 4883069 (VCV004883069.2).

ClinVar aggregate classification (germline): Uncertain significance (1 of 4 stars; one submission).

gnomAD v4.1: 387 of 1,613,514 alleles (0.024%); highest among the groups gnomAD compares: Middle Eastern, 0.71%; no homozygotes.

Submission:

Dasa
Classification: Uncertain significance. Last evaluated: 2025-12-20. Review status: criteria provided, single submitter. Criteria: DASA Assertion Criteria. Collection method: clinical testing. Allele origin: germline.
Comment: NM_006715.4(MAN2C1):c.2384A>G (p.Tyr795Cys) is a missense variant that results in the substitution of tyrosine with cysteine. This classification is supported by population frequency inconsistent with a disease-causing role. Computational prediction algorithms are consistent with a deleterious effect. The currently available literature and clinical evidence are not sufficient to establish a definitive association between this variant and the reported condition. Therefore, this variant is classified as a variant of uncertain significance.